The following is an entry in ClinVar:

ClinVar aggregate classification (germline): Uncertain significance (1 of 4 stars; one submission).

Conditions:
Evans syndrome, immunodeficiency, and premature immunosenescence associated with tripeptidyl-peptidase II deficiency. Identifiers: MedGen CN231723. Disease mechanism: loss of function.

Allele frequency attached by ClinVar (database versions not stated): TOPMed below 0.00001; gnomAD 0.00001.
gnomAD v4.1: 3 of 1,611,284 alleles (0.00019%); highest among the groups gnomAD compares: East Asian, 0.0067%; no homozygotes.

Submission:

Labcorp Genetics (formerly Invitae), Labcorp
Classification: Uncertain significance for Evans syndrome, immunodeficiency, and premature immunosenescence associated with tripeptidyl-peptidase II deficiency. Last evaluated: 2025-03-22. Review status: criteria provided, single submitter. Criteria: Invitae Variant Classification Sherloc (09022015). Collection method: clinical testing. Allele origin: germline.
Comment: This sequence change replaces serine, which is neutral and polar, with cysteine, which is neutral and slightly polar, at codon 25 of the TPP2 protein (p.Ser25Cys). This variant is present in population databases (no rsID available, gnomAD 0.01%). This variant has not been reported in the literature in individuals affected with TPP2-related conditions. ClinVar contains an entry for this variant (Variation ID: 842094). An algorithm developed to predict the effect of missense changes on protein structure and function (PolyPhen-2) suggests that this variant is likely to be disruptive. In summary, the available evidence is currently insufficient to determine the role of this variant in disease. Therefore, it has been classified as a Variant of Uncertain Significance.

NM_001330588.2(TPP2):c.74C>G (p.Ser25Cys)

Gene: TPP2 (tripeptidyl peptidase 2; plus strand). Cytogenetic location: 13q33.1.
Variant type: single nucleotide variant.
Coding change: c.74C>G on transcript NM_001330588.2 (MANE Select); coding-DNA position 74, C replaced by G.
Protein change: p.Ser25Cys; replaces serine 25 with cysteine.
Molecular consequence: missense variant. On other transcripts: non-coding transcript variant (1).
Genome position (GRCh38, 1-based): chr13:102,597,112, C>G. VCF-style: chr13-102597112-C-G. GRCh37 (hg19) VCF-style: chr13-103249462-C-G.
Other names: c.74C>G, p.Ser25Cys (NM_001367947.1, NM_003291.4); short protein forms S25C.
Identifiers: ClinVar variation 842094 (VCV000842094.9), dbSNP rs754902093, ClinGen allele CA388676584.